The following is an entry in ClinVar:

NM_033409.4(SLC52A3):c.1027G>T (p.Val343Leu)

Gene: SLC52A3 (solute carrier family 52 member 3; minus strand). Cytogenetic location: 20p13.
Variant type: single nucleotide variant.
Coding change: c.1027G>T on transcript NM_033409.4 (MANE Select); coding-DNA position 1027, G replaced by T.
Protein change: p.Val343Leu; replaces valine 343 with leucine.
Molecular consequence: missense variant.
Genome position (GRCh38, 1-based): chr20:763,544, C>A on the plus strand (G>T on the coding strand, the complement: SLC52A3 is on the minus strand). VCF-style: chr20-763544-C-A. GRCh37 (hg19) VCF-style: chr20-744188-C-A.
Other names: c.1027G>T, p.Val343Leu (NM_001370085.1, NM_001370086.1); short protein forms V343L.
Identifiers: ClinVar variation 2153907 (VCV002153907.4), dbSNP rs758815341, ClinGen allele CA407962606.

ClinVar aggregate classification (germline): Uncertain significance (1 of 4 stars; one submission).

Conditions:
Brown-Vialetto-van Laere syndrome 1. Also called: BROWN-VIALETTO-VAN LAERE SYNDROME 1, MILD; BULBAR PALSY, PROGRESSIVE, WITH SENSORINEURAL DEAFNESS; PONTOBULBAR PALSY WITH DEAFNESS. Identifiers: Orphanet 572550, Orphanet 97229, MedGen C0796274, MONDO:0024537, OMIM 211530.

Allele frequency attached by ClinVar (database versions not stated): TOPMed below 0.00001.

Submission:

Labcorp Genetics (formerly Invitae), Labcorp
Classification: Uncertain significance for Brown-Vialetto-van Laere syndrome 1. Last evaluated: 2022-07-17. Review status: criteria provided, single submitter. Criteria: Invitae Variant Classification Sherloc (09022015). Collection method: clinical testing. Allele origin: germline.
Comment: Algorithms developed to predict the effect of missense changes on protein structure and function (SIFT, PolyPhen-2, Align-GVGD) all suggest that this variant is likely to be tolerated. In summary, the available evidence is currently insufficient to determine the role of this variant in disease. Therefore, it has been classified as a Variant of Uncertain Significance. This variant has not been reported in the literature in individuals affected with SLC52A3-related conditions. This variant is not present in population databases (gnomAD no frequency). This sequence change replaces valine, which is neutral and non-polar, with leucine, which is neutral and non-polar, at codon 343 of the SLC52A3 protein (p.Val343Leu).